The following is an entry in ClinVar:

ClinVar aggregate classification (germline): Conflicting classifications of pathogenicity. Review status: criteria provided, conflicting classifications (1 of 4 stars). 6 submissions from 6 submitters: Uncertain significance (4); Likely benign (1). 1 of the submissions does not count toward it. Last evaluated 2025-12-26.

Conditions:
Cardiac arrhythmia. Also called: Arrhythmia; Cardiac rhythm disease. Identifiers: MedGen C0003811, MONDO:0007263, HP:0011675.
Cardiovascular phenotype. Identifiers: MedGen CN230736.
Familial long QT syndrome (RWS). Also called: Congenital long QT syndrome; Romano-Ward syndrome; VENTRICULAR FIBRILLATION WITH PROLONGED QT INTERVAL. Identifiers: Orphanet 768, MedGen C1141890, MONDO:0019171.
Short QT syndrome type 1. Identifiers: Orphanet 51083, MedGen C1865020, MONDO:0012312, OMIM 609620.
Long QT syndrome 2 (LQT2). Identifiers: Orphanet 101016, Orphanet 768, MedGen C3150943, MONDO:0013367, OMIM 613688.
Long QT syndrome (LQTS). Identifiers: MedGen C0023976, MeSH D008133, MONDO:0002442. Disease mechanism: loss of function. Inheritance: Various modes of inheritance.

Allele frequency attached by ClinVar (database versions not stated): TOPMed 0.00001.
gnomAD v4.1: 29 of 1,613,922 alleles (0.0018%); highest among the groups gnomAD compares: East Asian, 0.0067%; no homozygotes.

Submissions (6):

Labcorp Genetics (formerly Invitae), Labcorp
Classification: Uncertain significance for Long QT syndrome. Last evaluated: 2025-12-26. Review status: criteria provided, single submitter. Criteria: Invitae Variant Classification Sherloc (09022015). Collection method: clinical testing. Allele origin: germline.
Comment: This sequence change replaces glycine, which is neutral and non-polar, with alanine, which is neutral and non-polar, at codon 149 of the KCNH2 protein (p.Gly149Ala). This variant is present in population databases (rs199472865, gnomAD 0.02%). This missense change has been observed in individual(s) with clinical features of KCNH2-related conditions (PMID: 19716085). ClinVar contains an entry for this variant (Variation ID: 67506). An algorithm developed to predict the effect of missense changes on protein structure and function outputs the following: PolyPhen-2: "Benign". The alanine amino acid residue is found in multiple mammalian species, which suggests that this missense change does not adversely affect protein function. In summary, the available evidence is currently insufficient to determine the role of this variant in disease. Therefore, it has been classified as a Variant of Uncertain Significance.

Ambry Genetics
Classification: Likely benign for Cardiovascular phenotype. Last evaluated: 2024-10-23. Review status: criteria provided, single submitter. Criteria: Ambry Variant Classification Scheme 2023. Collection method: clinical testing. Allele origin: germline.

All of Us Research Program, National Institutes of Health
Classification: Uncertain significance for Long QT syndrome. Last evaluated: 2024-09-23. Review status: criteria provided, single submitter. Criteria: ACMG Guidelines, 2015. Collection method: clinical testing. Allele origin: germline. Inheritance: Autosomal dominant inheritance. Observed: 2 variant alleles, 2 heterozygotes.
Comment: This missense variant replaces glycine with alanine at codon 149 of the KCNH2 protein. Computational prediction is inconclusive regarding the impact of this variant on protein structure and function (internally defined REVEL score threshold 0.5 < inconclusive < 0.7, PMID: 27666373). To our knowledge, functional studies have not been reported for this variant. This variant has not been reported in an individual with suspected long QT syndrome (PMID: 19716085). This variant has been identified in 7/250696 chromosomes in the general population by the Genome Aggregation Database (gnomAD). The available evidence is insufficient to determine the role of this variant in disease conclusively. Therefore, this variant is classified as a Variant of Uncertain Significance.

This study involves interpretation of variants in research participants for the purpose of population health screening. Participant phenotype was not available at the time of variant classification. Additional details can be found in publication PMID: 35346344, PMCID: PMC8962531

Color Diagnostics, LLC DBA Color Health
Classification: Uncertain significance for Cardiac arrhythmia. Last evaluated: 2023-02-21. Review status: criteria provided, single submitter. Criteria: ACMG Guidelines, 2015. Collection method: clinical testing. Allele origin: germline.
Comment: This missense variant replaces glycine with alanine at codon 149 of the KCNH2 protein. Computational prediction is inconclusive regarding the impact of this variant on protein structure and function (internally defined REVEL score threshold 0.5 < inconclusive < 0.7, PMID: 27666373). To our knowledge, functional studies have not been reported for this variant. This variant has not been reported in an individual with suspected long QT syndrome (PMID: 19716085). This variant has been identified in 7/250696 chromosomes in the general population by the Genome Aggregation Database (gnomAD). The available evidence is insufficient to determine the role of this variant in disease conclusively. Therefore, this variant is classified as a Variant of Uncertain Significance.

Fulgent Genetics
Classification: Uncertain significance for Short QT syndrome type 1; Long QT syndrome 2. Last evaluated: 2018-10-31. Review status: criteria provided, single submitter. Criteria: ACMG Guidelines, 2015. Collection method: clinical testing. Allele origin: unknown.

Cardiovascular Biomedical Research Unit, Royal Brompton & Harefield NHS Foundation Trust
No classification provided. Condition: Familial long QT syndrome. Review status: no classification provided. Collection method: literature only. Allele origin: germline. Not counted in ClinVar's aggregate classification.
Comment: This variant has been reported as associated with Long QT syndrome in the following publications (PMID:19716085). This is a literature report, and does not necessarily reflect the clinical interpretation of the Imperial College / Royal Brompton Cardiovascular Genetics laboratory.

Literature cited by the submitters: PubMed 19716085 (cited by 5 submitters); PubMed 22581653 (cited by Cardiovascular Biomedical Research Unit, Royal Brompton & Harefield NHS Foundation Trust).

NM_000238.4(KCNH2):c.446G>C (p.Gly149Ala)

Gene: KCNH2 (potassium voltage-gated channel subfamily H member 2; minus strand). Cytogenetic location: 7q36.1.
Variant type: single nucleotide variant.
Coding change: c.446G>C on transcript NM_000238.4 (MANE Select); coding-DNA position 446, G replaced by C.
Protein change: p.Gly149Ala; replaces glycine 149 with alanine.
Molecular consequence: missense variant.
Genome position (GRCh38, 1-based): chr7:150,959,598, C>G on the plus strand (G>C on the coding strand, the complement: KCNH2 is on the minus strand). VCF-style: chr7-150959598-C-G. GRCh37 (hg19) VCF-style: chr7-150656686-C-G.
Other names: c.446G>C (LRG_288t1); c.158G>C, p.Gly53Ala (NM_001406753.1, NM_001406756.1); c.269G>C, p.Gly90Ala (NM_001406755.1); c.146G>C, p.Gly49Ala (NM_001406757.1); c.446G>C, p.Gly149Ala (NM_172056.3); short protein forms G149A, G49A, G53A, G90A.
Identifiers: ClinVar variation 67506 (VCV000067506.11), dbSNP rs199472865, ClinGen allele CA008457.
Genomic context (GRCh38, chr7:150,959,598, plus strand): 5'-ACCCCTGAGCCTGCCCTAAAGCAAGTACACTTACCTGGGGCCAGCCAGCTGGTGGGGGGG[C>G]CCCGGTGGTTGGTGTCATGAGCCGGGGACCCCACCATGTCCTTCTCCATCACCACCTCGA-3'
Protein context (NP_000229.1, residues 139-159): GSPAHDTNHR[Gly149Ala]PPTSWLAPGR